The following is an entry in ClinVar:

NM_033026.6(PCLO):c.14448C>T (p.Leu4816=)

Gene: PCLO (piccolo presynaptic cytomatrix protein; minus strand). Cytogenetic location: 7q21.11.
Variant type: single nucleotide variant.
Coding change: c.14448C>T on transcript NM_033026.6 (MANE Select); coding-DNA position 14448, C replaced by T.
Protein change: p.Leu4816=; no amino-acid change (leucine 4816 retained).
Molecular consequence: synonymous variant.
Genome position (GRCh38, 1-based): chr7:82,824,384, G>A on the plus strand (C>T on the coding strand, the complement: PCLO is on the minus strand). VCF-style: chr7-82824384-G-A. GRCh37 (hg19) VCF-style: chr7-82453700-G-A.
Other names: c.14448C>T (NM_033026.5); c.14448C>T, p.Leu4816= (NM_014510.3).
Identifiers: ClinVar variation 1565963 (VCV001565963.10), dbSNP rs556460297, ClinGen allele CA4318796.
Genomic context (GRCh38, chr7:82,824,384, plus strand): 5'-CTTGCCATGATCAATGCTTTCAGTCTGTTCTTTGAGAGGATACCACCTTGGAGTGTTATC[G>A]AGGTGAGATGTGCTAGATAAATCAATCAATACCTGAAAAAAAGTGTAACAAATAAATGAA-3'
Protein context (NP_149015.2, residues 4806-4826): VLIDLSSTSH[Leu4816=]DNTPRWYPLK

ClinVar aggregate classification (germline): Benign/Likely benign. Review status: criteria provided, multiple submitters, no conflicts (2 of 4 stars). 3 submissions from 3 submitters: Benign (1); Likely benign (1). 1 of the submissions does not count toward it. Last evaluated 2025-08-20.

Conditions:
PCLO-related disorder. Also called: PCLO-related condition.

Allele frequency attached by ClinVar (database versions not stated): gnomAD 0.00001 and 0.00011; TOPMed 0.00003; gnomAD exomes 0.00013 and 0.00030; ExAC 0.00030; 1000 Genomes Project 30x 0.00078; 1000 Genomes Project 0.00100.
gnomAD v4.1: 216 of 1,610,094 alleles (0.013%); highest among the groups gnomAD compares: South Asian, 0.22%; no homozygotes.

Submissions (3):

Labcorp Genetics (formerly Invitae), Labcorp
Classification: Benign. Last evaluated: 2025-08-20. Review status: criteria provided, single submitter. Criteria: Invitae Variant Classification Sherloc (09022015). Collection method: clinical testing. Allele origin: germline.

Blueprint Genetics
Classification: Likely benign. Last evaluated: 2024-10-10. Review status: criteria provided, single submitter. Criteria: ACMG Guidelines, 2015. Collection method: clinical testing. Allele origin: germline.

PreventionGenetics, part of Exact Sciences
Classification: Likely benign for PCLO-related condition. Last evaluated: 2024-09-23. Review status: no assertion criteria provided. Collection method: clinical testing. Allele origin: germline. Not counted in ClinVar's aggregate classification.
Comment: This variant is classified as likely benign based on ACMG/AMP sequence variant interpretation guidelines (Richards et al. 2015 PMID: 25741868, with internal and published modifications).